The following is an entry in ClinVar:

ClinVar aggregate classification (germline): Uncertain significance. Review status: criteria provided, multiple submitters, no conflicts (2 of 4 stars). 4 submissions from 4 submitters: Uncertain significance (4). Last evaluated 2025-05-06.

Conditions:
Hereditary cancer-predisposing syndrome. Also called: Tumor predisposition; Hereditary neoplastic syndrome; Neoplastic Syndromes, Hereditary; Hereditary Cancer Syndrome. Identifiers: Orphanet 140162, MedGen C0027672, MeSH D009386, MONDO:0015356.
Classic or attenuated familial adenomatous polyposis. Identifiers: MedGen CN372698, MONDO:0021057.
Familial adenomatous polyposis 1 (FAP1). Also called: POLYPOSIS, ADENOMATOUS INTESTINAL; FAMILIAL ADENOMATOUS POLYPOSIS 1, ATTENUATED. Identifiers: MedGen C2713442, MONDO:0021056, OMIM 175100. Disease mechanism: loss of function.

Submissions (4):

Labcorp Genetics (formerly Invitae), Labcorp
Classification: Uncertain significance for Familial adenomatous polyposis 1. Last evaluated: 2025-05-06. Review status: criteria provided, single submitter. Criteria: Invitae Variant Classification Sherloc (09022015). Collection method: clinical testing. Allele origin: germline.
Comment: This sequence change replaces asparagine, which is neutral and polar, with isoleucine, which is neutral and non-polar, at codon 1903 of the APC protein (p.Asn1903Ile). This variant is not present in population databases (gnomAD no frequency). This variant has not been reported in the literature in individuals affected with APC-related conditions. ClinVar contains an entry for this variant (Variation ID: 665464). Invitae Evidence Modeling of protein sequence and biophysical properties (such as structural, functional, and spatial information, amino acid conservation, physicochemical variation, residue mobility, and thermodynamic stability) indicates that this missense variant is not expected to disrupt APC protein function with a negative predictive value of 95%. In summary, the available evidence is currently insufficient to determine the role of this variant in disease. Therefore, it has been classified as a Variant of Uncertain Significance.

Color Diagnostics, LLC DBA Color Health
Classification: Uncertain significance for Hereditary cancer-predisposing syndrome. Last evaluated: 2024-03-06. Review status: criteria provided, single submitter. Criteria: ACMG Guidelines, 2015. Collection method: clinical testing. Allele origin: germline.
Comment: This missense variant replaces asparagine with isoleucine at codon 1903 of the APC protein. Computational prediction suggests that this variant may not impact protein structure and function (internally defined REVEL score threshold <= 0.5, PMID: 27666373). To our knowledge, functional studies have not been reported for this variant. This variant has not been reported in individuals affected with hereditary cancer in the literature. This variant has not been identified in the general population by the Genome Aggregation Database (gnomAD). The available evidence is insufficient to determine the role of this variant in disease conclusively. Therefore, this variant is classified as a Variant of Uncertain Significance.

All of Us Research Program, National Institutes of Health
Classification: Uncertain significance for Classic or attenuated familial adenomatous polyposis. Last evaluated: 2023-03-28. Review status: criteria provided, single submitter. Criteria: ACMG Guidelines, 2015. Collection method: clinical testing. Allele origin: germline. Inheritance: Autosomal dominant inheritance. Observed: 1 variant allele, 1 heterozygote.
Comment: This missense variant replaces asparagine with isoleucine at codon 1903 of the APC protein. Computational prediction suggests that this variant may not impact protein structure and function (internally defined REVEL score threshold <= 0.5, PMID: 27666373). To our knowledge, functional studies have not been reported for this variant. This variant has not been reported in individuals affected with hereditary cancer in the literature. This variant has not been identified in the general population by the Genome Aggregation Database (gnomAD). The available evidence is insufficient to determine the role of this variant in disease conclusively. Therefore, this variant is classified as a Variant of Uncertain Significance.

This study involves interpretation of variants in research participants for the purpose of population health screening. Participant phenotype was not available at the time of variant classification. Additional details can be found in publication PMID: 35346344, PMCID: PMC8962531

Ambry Genetics
Classification: Uncertain significance for Hereditary cancer-predisposing syndrome. Last evaluated: 2019-04-08. Review status: criteria provided, single submitter. Criteria: Ambry Variant Classification Scheme 2023. Collection method: clinical testing. Allele origin: germline.
Comment: The p.N1903I variant (also known as c.5708A>T), located in coding exon 15 of the APC gene, results from an A to T substitution at nucleotide position 5708. The asparagine at codon 1903 is replaced by isoleucine, an amino acid with dissimilar properties. This amino acid position is not well conserved in available vertebrate species. In addition, in silico predictors for this gene do not accurately predict pathogenicity. Since supporting evidence is limited at this time, the clinical significance of this alteration remains unclear.

NM_000038.6(APC):c.5708A>T (p.Asn1903Ile)

Gene: APC (APC regulator of Wnt signaling pathway; plus strand). Cytogenetic location: 5q22.2.
Variant type: single nucleotide variant.
Coding change: c.5708A>T on transcript NM_000038.6 (MANE Select); coding-DNA position 5708, A replaced by T.
Protein change: p.Asn1903Ile; replaces asparagine 1903 with isoleucine.
Molecular consequence: missense variant.
Genome position (GRCh38, 1-based): chr5:112,841,302, A>T. VCF-style: chr5-112841302-A-T. GRCh37 (hg19) VCF-style: chr5-112176999-A-T.
Other names: c.5708A>T, p.Asn1903Ile (NM_001127510.3, NM_001354895.2); c.5654A>T, p.Asn1885Ile (NM_001127511.3); c.5762A>T, p.Asn1921Ile (NM_001354896.2); c.5738A>T, p.Asn1913Ile (NM_001354897.2); c.5633A>T, p.Asn1878Ile (NM_001354898.2); c.5624A>T, p.Asn1875Ile (NM_001354899.2); c.5585A>T, p.Asn1862Ile (NM_001354900.2); c.5531A>T, p.Asn1844Ile (NM_001354901.2); and 5 more; short protein forms N1620I, N1743I, N1777I, N1844I, N1862I, N1921I, N1812I, N1875I.
Identifiers: ClinVar variation 665464 (VCV000665464.15), dbSNP rs750404000, ClinGen allele CA16033826.
Genomic context (GRCh38, chr5:112,841,302, plus strand): 5'-AGGCAAAAGAAAATAAGGAATCAGAGGCTAAAGTTACCAGCCACACAGAACTAACCTCCA[A>T]CCAACAATCAGCTAATAAGACACAAGCTATTGCAAAGCAGCCAATAAATCGAGGTCAGCC-3'
Protein context (NP_000029.2, residues 1893-1913): KVTSHTELTS[Asn1903Ile]QQSANKTQAI